The following is an entry in ClinVar:

NM_004937.3(CTNS):c.141-1G>A

Gene: CTNS (cystinosin, lysosomal cystine transporter; plus strand). Cytogenetic location: 17p13.2.
Variant type: single nucleotide variant.
Coding change: c.141-1G>A on transcript NM_004937.3 (MANE Select); the canonical splice acceptor site of the intron before coding-DNA position 141, G replaced by A.
Molecular consequence: splice acceptor variant. On other transcripts: intron variant (3).
Genome position (GRCh38, 1-based): chr17:3,648,846, G>A. VCF-style: chr17-3648846-G-A. GRCh37 (hg19) VCF-style: chr17-3552140-G-A.
Other names: c.141-1G>A (NM_001374492.1, NM_001031681.3); c.-217+1324G>A (NM_001374493.1, NM_001374496.1); c.-216-6152G>A (NM_001374495.1); c.-301-1G>A (NM_001374494.1).
Identifiers: ClinVar variation 936074 (VCV000936074.11), dbSNP rs2075906916, ClinGen allele CA397687756.

ClinVar aggregate classification (germline): Pathogenic/Likely pathogenic. Review status: criteria provided, multiple submitters, no conflicts (2 of 4 stars). 2 submissions from 2 submitters: Pathogenic (1); Likely pathogenic (1). Last evaluated 2026-05-31.

Conditions:
Ocular cystinosis. Also called: Non-Nephropathic (Ocular) Cystinosis; Non-Nephropathic Cystinosis. Identifiers: Orphanet 213, Orphanet 411641, MedGen C2931013, MONDO:0009064, OMIM 219750.
Juvenile nephropathic cystinosis. Also called: Later-Onset (Juvenile) Cystinosis; Intermediate Cystinosis; CYSTINOSIS, LATE-ONSET JUVENILE OR ADOLESCENT NEPHROPATHIC TYPE. Identifiers: Orphanet 213, Orphanet 411634, MedGen C0268626, MONDO:0009066, OMIM 219900.
Inborn genetic diseases. Identifiers: MedGen C0950123, MeSH D030342.
Renal tubulopathies.

Allele frequency attached by ClinVar (database versions not stated): gnomAD exomes 0.00001.
gnomAD v4.1: 8 of 1,612,960 alleles (0.0005%); highest among the groups gnomAD compares: Non-Finnish European, 0.00068%; no homozygotes.

Submissions (2):

Genetics Laboratory, Great Ormond Street Hospital NHS Foundation Trust, North Thames Genomic Laboratory Hub
Classification: Pathogenic for Renal tubulopathies. Last evaluated: 2026-05-31. Review status: criteria provided, single submitter. Criteria: ACGS Best Practice Guidelines for Variant Classification in Rare Disease 2024 v1.2. Collection method: clinical testing. Allele origin: germline. Affected: yes.
Comment: PM2_moderate, PVS1_very-strong

Labcorp Genetics (formerly Invitae), Labcorp
Classification: Likely pathogenic for Inborn genetic diseases; Ocular cystinosis; Juvenile nephropathic cystinosis. Last evaluated: 2023-12-19. Review status: criteria provided, single submitter. Criteria: Invitae Variant Classification Sherloc (09022015). Collection method: clinical testing. Allele origin: germline.
Comment: This sequence change affects an acceptor splice site in intron 4 of the CTNS gene. It is expected to disrupt RNA splicing. Variants that disrupt the donor or acceptor splice site typically lead to a loss of protein function (PMID: 16199547), and loss-of-function variants in CTNS are known to be pathogenic (PMID: 9537412, 27102039). This variant is not present in population databases (gnomAD no frequency). This variant has not been reported in the literature in individuals affected with CTNS-related conditions. ClinVar contains an entry for this variant (Variation ID: 936074). Algorithms developed to predict the effect of sequence changes on RNA splicing suggest that this variant may disrupt the consensus splice site. In summary, the currently available evidence indicates that the variant is pathogenic, but additional data are needed to prove that conclusively. Therefore, this variant has been classified as Likely Pathogenic.

Literature cited by the submitters: PubMed 16199547 (cited by Labcorp Genetics (formerly Invitae), Labcorp); PubMed 9537412 (cited by Labcorp Genetics (formerly Invitae), Labcorp); PubMed 27102039 (cited by Labcorp Genetics (formerly Invitae), Labcorp).